The following is an entry in ClinVar:

NM_003860.4(BANF1):c.204C>T (p.Gly68=)

Gene: BANF1 (barrier to autointegration nuclear assembly factor 1; plus strand). Cytogenetic location: 11q13.1.
Variant type: single nucleotide variant.
Coding change: c.204C>T on transcript NM_003860.4 (MANE Select); coding-DNA position 204, C replaced by T.
Protein change: p.Gly68=; no amino-acid change (glycine 68 retained).
Molecular consequence: synonymous variant.
Genome position (GRCh38, 1-based): chr11:66,003,706, C>T. VCF-style: chr11-66003706-C-T. GRCh37 (hg19) VCF-style: chr11-65771177-C-T.
Other names: c.204C>T, p.Gly68= (NM_001143985.2).
Identifiers: ClinVar variation 790644 (VCV000790644.9), dbSNP rs140057395, ClinGen allele CA6114124.
Genomic context (GRCh38, chr11:66,003,706, plus strand): 5'-GTTTCTGGTGCTAAAGAAAGATGAAGACCTCTTCCGGGAATGGCTGAAAGACACTTGTGG[C>T]GCCAACGCCAAGCAGTCCCGGGACTGCTTCGGATGCCTTCGAGAGTGGTGCGACGCCTTC-3'
Protein context (NP_003851.1, residues 58-78): LFREWLKDTC[Gly68=]ANAKQSRDCF

ClinVar aggregate classification (germline): Benign. Review status: criteria provided, multiple submitters, no conflicts (2 of 4 stars). 3 submissions from 3 submitters: Benign (3). Last evaluated 2019-12-31.

Conditions:
Nestor-Guillermo progeria syndrome (NGPS). Also called: PROGERIA SYNDROME, CHILDHOOD-ONSET, WITH OSTEOLYSIS. Identifiers: Orphanet 280576, MedGen C3151446, MONDO:0013523, OMIM 614008.

Allele frequency attached by ClinVar (database versions not stated): 1000 Genomes Project 30x 0.00312; 1000 Genomes Project 0.00300; gnomAD exomes 0.00032 and 0.00081; gnomAD 0.00398 and 0.00435; ESP Exome Variant Server 0.00400; TOPMed 0.00441; ExAC 0.00105.
gnomAD v4.1: 1,098 of 1,614,090 alleles (0.068%); highest among the groups gnomAD compares: African/African-American, 1.3%; 10 homozygotes.

Submissions (3):

Labcorp Genetics (formerly Invitae), Labcorp
Classification: Benign. Last evaluated: 2019-12-31. Review status: criteria provided, single submitter. Criteria: Invitae Variant Classification Sherloc (09022015). Collection method: clinical testing. Allele origin: germline.

Illumina Laboratory Services, Illumina
Classification: Benign for Nestor-Guillermo progeria syndrome. Last evaluated: 2018-01-13. Review status: criteria provided, single submitter. Criteria: ICSL Variant Classification Criteria 13 December 2019. Collection method: clinical testing. Allele origin: germline.
Comment: This variant was observed in the ICSL laboratory as part of a predisposition screen in an ostensibly healthy population. It had not been previously curated by ICSL or reported in the Human Gene Mutation Database (HGMD: prior to June 1st, 2018), and was therefore a candidate for classification through an automated scoring system. Utilizing variant allele frequency, disease prevalence and penetrance estimates, and inheritance mode, an automated score was calculated to assess if this variant is too frequent to cause the disease. Based on the score and internal cut-off values, a variant classified as benign is not then subjected to further curation. The score for this variant resulted in a classification of benign for this disease.

Breakthrough Genomics
Classification: Benign. Review status: criteria provided, single submitter. Criteria: ACMG Guidelines, 2015. Collection method: not provided. Allele origin: germline. Inheritance: Autosomal recessive inheritance. Affected: yes.